The following is an entry in ClinVar:

ClinVar aggregate classification (germline): Likely benign. Review status: criteria provided, multiple submitters, no conflicts (2 of 4 stars). 4 submissions from 4 submitters: Likely benign (4). Last evaluated 2026-01-20.

Conditions:
Luscan-Lumish syndrome. Identifiers: Orphanet 597738, MedGen C4085873, MONDO:0014791, OMIM 616831.

Allele frequency attached by ClinVar (database versions not stated): ESP Exome Variant Server 0.00023; gnomAD exomes 0.00029 and 0.00056; TOPMed 0.00034; gnomAD 0.00036 and 0.00037; ExAC 0.00041.
gnomAD v4.1: 515 of 1,613,838 alleles (0.032%); highest among the groups gnomAD compares: Middle Eastern, 0.16%; 2 homozygotes.

Submissions (4):

Labcorp Genetics (formerly Invitae), Labcorp
Classification: Likely benign for Luscan-Lumish syndrome. Last evaluated: 2026-01-20. Review status: criteria provided, single submitter. Criteria: Invitae Variant Classification Sherloc (09022015). Collection method: clinical testing. Allele origin: germline.

Blueprint Genetics
Classification: Likely benign. Last evaluated: 2024-11-07. Review status: criteria provided, single submitter. Criteria: ACMG Guidelines, 2015. Collection method: clinical testing. Allele origin: germline.

CeGaT Center for Human Genetics Tuebingen
Classification: Likely benign. Last evaluated: 2023-03-01. Review status: criteria provided, single submitter. Criteria: CeGaT Center For Human Genetics Tuebingen Variant Classification Criteria Version 2. Collection method: clinical testing. Allele origin: germline. Affected: yes. Observed: 2 variant alleles.
Comment: SETD2: BP4, BP7

Genome-Nilou Lab
Classification: Likely benign for Luscan-Lumish syndrome. Last evaluated: 2022-03-15. Review status: criteria provided, single submitter. Criteria: ACMG Guidelines, 2015. Collection method: clinical testing. Allele origin: germline. Affected: no.

NM_014159.7(SETD2):c.7500C>T (p.Thr2500=)

Gene: SETD2 (SET domain containing 2, histone lysine methyltransferase; minus strand). Cytogenetic location: 3p21.31.
Variant type: single nucleotide variant.
Coding change: c.7500C>T on transcript NM_014159.7 (MANE Select); coding-DNA position 7500, C replaced by T.
Protein change: p.Thr2500=; no amino-acid change (threonine 2500 retained).
Molecular consequence: synonymous variant. On other transcripts: non-coding transcript variant (1).
Genome position (GRCh38, 1-based): chr3:47,017,671, G>A on the plus strand (C>T on the coding strand, the complement: SETD2 is on the minus strand). VCF-style: chr3-47017671-G-A. GRCh37 (hg19) VCF-style: chr3-47059161-G-A.
Other names: c.7368C>T, p.Thr2456= (NM_001349370.3).
Identifiers: ClinVar variation 707279 (VCV000707279.51), dbSNP rs148499835, ClinGen allele CA2362478.